The following is an entry in ClinVar:

ClinVar aggregate classification (germline): Pathogenic (1 of 4 stars; one submission).

Conditions:
Developmental and epileptic encephalopathy, 42 (DEE42A). Also called: DEVELOPMENTAL AND EPILEPTIC ENCEPHALOPATHY 42A; EPILEPTIC ENCEPHALOPATHY, EARLY INFANTILE, 42A; Epileptic encephalopathy, early infantile, 42. Identifiers: MedGen C4310716, MONDO:0014917, OMIM 617106.

Submission:

Institute of Human Genetics, University of Leipzig Medical Center
Classification: Pathogenic for Developmental and epileptic encephalopathy, 42. Last evaluated: 2024-06-06. Review status: criteria provided, single submitter. Criteria: ACMG Guidelines, 2015. Collection method: clinical testing. Allele origin: unknown. Inheritance: Autosomal dominant inheritance. Affected: yes.
Comment: Criteria applied: PVS1,PM2

NM_001127222.2(CACNA1A):c.4078delinsAT (p.Pro1360fs)

Gene: CACNA1A (calcium voltage-gated channel subunit alpha1 A; minus strand). Cytogenetic location: 19p13.13.
Variant type: Indel.
Coding change: c.4078delinsAT on transcript NM_001127222.2 (MANE Select); coding-DNA position 4078, C replaced by AT.
Protein change: p.Pro1360fs; shifts the reading frame from proline 1360.
Molecular consequence: frameshift variant.
Genome position (GRCh38, 1-based): chr19:13,262,745, G replaced by AT on the plus strand (C replaced by AT on the coding strand, the reverse complement: CACNA1A is on the minus strand). VCF-style: chr19-13262745-G-AT. GRCh37 (hg19) VCF-style: chr19-13373559-G-AT.
Other names: c.4090delinsAT, p.Pro1364fs (NM_000068.4, NM_023035.3); c.4081delinsAT, p.Pro1361fs (NM_001127221.2, NM_001174080.2); short protein forms P1360fs, P1361fs, P1364fs.
Identifiers: ClinVar variation 3358961 (VCV003358961.2).